The following is an entry in ClinVar:

NM_002617.4(PEX10):c.640del (p.Arg214fs)

Gene: PEX10 (peroxisomal biogenesis factor 10; minus strand). Cytogenetic location: 1p36.32.
Variant type: Deletion.
Coding change: c.640del on transcript NM_002617.4 (MANE Select); coding-DNA position 640, one base deleted (C; older notation c.640delC).
Protein change: p.Arg214fs; shifts the reading frame from arginine 214.
Molecular consequence: frameshift variant. On other transcripts: non-coding transcript variant (1).
Genome position (GRCh38, 1-based): chr1:2,406,856, G deleted on the plus strand (C on the coding strand, the reverse complement: PEX10 is on the minus strand); the first of 3 consecutive G bases (chr1:2,406,856-2,406,858); deleting any one gives the same sequence. VCF-style (leftmost placement, unchanged base first): chr1-2406855-CG-C. GRCh37 (hg19) VCF-style: chr1-2338294-CG-C.
Other names: c.697del, p.Arg233fs (NM_001374425.1); c.265del, p.Arg89fs (NM_001374426.1); c.208del, p.Arg70fs (NM_001374427.1); c.700del, p.Arg234fs (NM_153818.2); short protein forms R214fs, R234fs, R70fs, R233fs, R89fs.
Identifiers: ClinVar variation 2054831 (VCV002054831.1), dbSNP rs2522260496, ClinGen allele CA2580062495.

ClinVar aggregate classification (germline): Pathogenic (1 of 4 stars; one submission).

Conditions:
Peroxisome biogenesis disorder, complementation group 7 (CG7). Also called: Peroxisome biogenesis disorder, complementation group B. Identifiers: MedGen C1864399.

Submission:

Labcorp Genetics (formerly Invitae), Labcorp
Classification: Pathogenic for Peroxisome biogenesis disorder, complementation group 7. Last evaluated: 2022-09-13. Review status: criteria provided, single submitter. Criteria: Invitae Variant Classification Sherloc (09022015). Collection method: clinical testing. Allele origin: germline.
Comment: This sequence change results in a frameshift in the PEX10 gene (p.Arg234Valfs*130). While this is not anticipated to result in nonsense mediated decay, it is expected to disrupt the last 113 amino acid(s) of the PEX10 protein and extend the protein by 16 additional amino acid residues. This variant is not present in population databases (gnomAD no frequency). This variant has not been reported in the literature in individuals affected with PEX10-related conditions. This variant disrupts a region of the PEX10 protein in which other variant(s) (p.Arg331Gln ) have been determined to be pathogenic (PMID: 20695019, 27230853). This suggests that this is a clinically significant region of the protein, and that variants that disrupt it are likely to be disease-causing. For these reasons, this variant has been classified as Pathogenic.

Literature cited by the submitters: PubMed 20695019; PubMed 27230853.